The following is an entry in ClinVar:

ClinVar aggregate classification (germline): Likely benign. Review status: criteria provided, single submitter (1 of 4 stars). 2 submissions from 2 submitters: Likely benign (1). 1 of the submissions does not count toward it. Last evaluated 2025-10-01.

Conditions:
Joubert syndrome. Also called: JOUBERT-BOLTSHAUSER SYNDROME; Familial aplasia of the vermis. Identifiers: Orphanet 475, MedGen C5979921, MONDO:0018772.
Meckel-Gruber syndrome. Also called: DYSENCEPHALIA SPLANCHNOCYSTICA; GRUBER SYNDROME; Dysencephalia splachnocystica. Identifiers: Orphanet 564, MedGen C0265215, MONDO:0018921.
CC2D2A-related disorder. Also called: CC2D2A-related disorders; CC2D2A-related condition. Identifiers: MedGen CN239313.

Allele frequency attached by ClinVar (database versions not stated): TOPMed below 0.00001; gnomAD 0.00001.
gnomAD v4.1: 2 of 1,606,862 alleles (0.00012%); highest among the groups gnomAD compares: Admixed American, 0.0034%; no homozygotes.

Submissions (2):

Labcorp Genetics (formerly Invitae), Labcorp
Classification: Likely benign for Joubert syndrome; Meckel-Gruber syndrome. Last evaluated: 2025-10-01. Review status: criteria provided, single submitter. Criteria: Invitae Variant Classification Sherloc (09022015). Collection method: clinical testing. Allele origin: germline.

PreventionGenetics, part of Exact Sciences
Classification: Likely benign for CC2D2A-related condition. Last evaluated: 2024-01-04. Review status: no assertion criteria provided. Collection method: clinical testing. Allele origin: germline. Not counted in ClinVar's aggregate classification.
Comment: This variant is classified as likely benign based on ACMG/AMP sequence variant interpretation guidelines (Richards et al. 2015 PMID: 25741868, with internal and published modifications).

NM_001378615.1(CC2D2A):c.3183-5C>T

Genes: CC2D2A (coiled-coil and C2 domain containing 2A; plus strand), FBXL5 (F-box and leucine rich repeat protein 5; minus strand). Cytogenetic location: 4p15.32.
Variant type: single nucleotide variant.
Coding change: c.3183-5C>T on transcript NM_001378615.1 (MANE Select); 5 bases into the intron before coding-DNA position 3183, C replaced by T.
Molecular consequence: intron variant.
Genome position (GRCh38, 1-based): chr4:15,567,372, C>T. VCF-style: chr4-15567372-C-T. GRCh37 (hg19) VCF-style: chr4-15568995-C-T.
Other names: c.3183-5C>T (NM_001080522.2); c.3036-5C>T (NM_001378617.1).
Identifiers: ClinVar variation 1077625 (VCV001077625.11), dbSNP rs763724257, ClinGen allele CA549895725.